The following is an entry in ClinVar:

NR_148920.1(PLAC4):n.5627C>T

Genes: BACE2 (beta-secretase 2; plus strand), PLAC4 (placenta enriched 4; minus strand). Cytogenetic location: 21q22.2.
Variant type: single nucleotide variant.
Molecular consequence: intron variant (on NM_012105.5). On other transcripts: missense variant (1), non-coding transcript variant (1).
Genome position: GRCh38 VCF-style: chr21-41179613-G-A. GRCh37 (hg19) VCF-style: chr21-42551540-G-A.
Other names: c.16C>T, p.Arg6Cys (NM_182832.2); c.312+11038G>A (NM_012105.5, NM_138992.3, NM_138991.3); short protein forms R6C.
Identifiers: ClinVar variation 3049206 (VCV003049206.2), dbSNP rs200294356, ClinGen allele CA10032017.

ClinVar aggregate classification (germline): Likely benign (0 of 4 stars; one submission).

Conditions:
PLAC4-related disorder. Also called: PLAC4-related condition.

Allele frequency attached by ClinVar (database versions not stated): gnomAD exomes 0.00010; 1000 Genomes Project 30x 0.00031; 1000 Genomes Project 0.00040; ExAC 0.00041; ESP Exome Variant Server 0.00070; gnomAD 0.00112; TOPMed 0.00124.
gnomAD v4.1: 295 of 1,361,784 alleles (0.022%); highest among the groups gnomAD compares: African/African-American, 0.34%; 1 homozygote.

Submission:

PreventionGenetics, part of Exact Sciences
Classification: Likely benign for PLAC4-related condition. Last evaluated: 2022-06-15. Review status: no assertion criteria provided. Collection method: clinical testing. Allele origin: germline.
Comment: This variant is classified as likely benign based on ACMG/AMP sequence variant interpretation guidelines (Richards et al. 2015 PMID: 25741868, with internal and published modifications).